The following is an entry in ClinVar:

NM_000094.4(COL7A1):c.4438-1G>C

Gene: COL7A1 (collagen type VII alpha 1 chain; minus strand). Cytogenetic location: 3p21.31.
Variant type: single nucleotide variant.
Coding change: c.4438-1G>C on transcript NM_000094.4 (MANE Select); the canonical splice acceptor site of the intron before coding-DNA position 4438, G replaced by C.
Molecular consequence: splice acceptor variant.
Genome position (GRCh38, 1-based): chr3:48,583,172, C>G on the plus strand (G>C on the coding strand, the complement: COL7A1 is on the minus strand). VCF-style: chr3-48583172-C-G. GRCh37 (hg19) VCF-style: chr3-48620605-C-G.
Other names: c.4438-1G>C (NM_000094.3).
Identifiers: ClinVar variation 3718601 (VCV003718601.4).

ClinVar aggregate classification (germline): Likely pathogenic. Review status: criteria provided, multiple submitters, no conflicts (2 of 4 stars). 2 submissions from 2 submitters: Likely pathogenic (2). Last evaluated 2025-03-05.

Conditions:
Epidermolysis bullosa dystrophica. Also called: Dystrophic epidermolysis bullosa, Hallopeau-Siemens type (formerly); Dystrophic epidermolysis bullosa. Identifiers: Orphanet 303, MedGen C0079294, MONDO:0006543.

Submissions (2):

Natera, Inc.
Classification: Likely pathogenic for Dystrophic epidermolysis bullosa. Last evaluated: 2025-03-05. Review status: criteria provided, single submitter. Criteria: Natera Variant Classification Schema (03/2026). Collection method: clinical testing. Allele origin: germline.
Comment: The c.4438-1G>C variant in COL7A1 is a canonical splice acceptor site variant predicted to affect pre-mRNA splicing, which may result in an abnormal transcript and altered protein product. This variant may result in a truncated or dysfunctional protein product. This variant is rare in the general population with a frequency below the threshold expected for the associated phenotype(s). This variant has been observed in one or more individuals affected with the associated recessive disease, as either homozygous or compound heterozygous with a second variant (PMID: 30011071). Additionally, this variant has been observed to segregate in affected family members (PMID: 30011071). Given the available evidence, this variant is classified as Likely Pathogenic.

Labcorp Genetics (formerly Invitae), Labcorp
Classification: Likely pathogenic. Last evaluated: 2024-06-10. Review status: criteria provided, single submitter. Criteria: Invitae Variant Classification Sherloc (09022015). Collection method: clinical testing. Allele origin: germline.
Comment: This sequence change affects an acceptor splice site in intron 41 of the COL7A1 gene. It is expected to disrupt RNA splicing. Variants that disrupt the donor or acceptor splice site typically lead to a loss of protein function (PMID: 16199547), and loss-of-function variants in COL7A1 are known to be pathogenic (PMID: 16971478). This variant is not present in population databases (gnomAD no frequency). Disruption of this splice site has been observed in individual(s) with autosomal recessive junctional epidermolysis bullosa (PMID: 30011071). Algorithms developed to predict the effect of sequence changes on RNA splicing suggest that this variant may disrupt the consensus splice site. In summary, the currently available evidence indicates that the variant is pathogenic, but additional data are needed to prove that conclusively. Therefore, this variant has been classified as Likely Pathogenic.

Literature cited by the submitters: PubMed 30011071 (cited by Natera, Inc. and Labcorp Genetics (formerly Invitae), Labcorp); PubMed 16199547 (cited by Labcorp Genetics (formerly Invitae), Labcorp); PubMed 16971478 (cited by Labcorp Genetics (formerly Invitae), Labcorp).